The following is an entry in ClinVar:

NM_020778.5(ALPK3):c.2849G>T (p.Arg950Leu)

Gene: ALPK3 (alpha kinase 3; plus strand). Cytogenetic location: 15q25.3.
Variant type: single nucleotide variant.
Coding change: c.2849G>T on transcript NM_020778.5 (MANE Select); coding-DNA position 2849, G replaced by T.
Protein change: p.Arg950Leu; replaces arginine 950 with leucine.
Molecular consequence: missense variant.
Genome position (GRCh38, 1-based): chr15:84,857,587, G>T. VCF-style: chr15-84857587-G-T. GRCh37 (hg19) VCF-style: chr15-85400818-G-T.
Other names: short protein forms R950L.
Identifiers: ClinVar variation 1444032 (VCV001444032.6), dbSNP rs772259344, ClinGen allele CA393358579.

ClinVar aggregate classification (germline): Uncertain significance (1 of 4 stars; one submission).

Submission:

Labcorp Genetics (formerly Invitae), Labcorp
Classification: Uncertain significance. Last evaluated: 2021-10-28. Review status: criteria provided, single submitter. Criteria: Invitae Variant Classification Sherloc (09022015). Collection method: clinical testing. Allele origin: germline.
Comment: This variant is not present in population databases (gnomAD no frequency). This sequence change replaces arginine, which is basic and polar, with leucine, which is neutral and non-polar, at codon 1152 of the ALPK3 protein (p.Arg1152Leu). This variant has not been reported in the literature in individuals affected with ALPK3-related conditions. In summary, the available evidence is currently insufficient to determine the role of this variant in disease. Therefore, it has been classified as a Variant of Uncertain Significance. Algorithms developed to predict the effect of missense changes on protein structure and function are either unavailable or do not agree on the potential impact of this missense change (SIFT: "Deleterious"; PolyPhen-2: "Possibly Damaging"; Align-GVGD: "Class C0").